The following is an entry in ClinVar:

ClinVar aggregate classification (germline): Conflicting classifications of pathogenicity. Review status: criteria provided, conflicting classifications (1 of 4 stars). 4 submissions from 4 submitters: Uncertain significance (3); Likely benign (1). Last evaluated 2025-12-21.

Conditions:
Hereditary cancer-predisposing syndrome. Also called: Tumor predisposition; Hereditary neoplastic syndrome; Hereditary Cancer Syndrome; Neoplastic Syndromes, Hereditary. Identifiers: Orphanet 140162, MedGen C0027672, MeSH D009386, MONDO:0015356.

Allele frequency attached by ClinVar (database versions not stated): gnomAD exomes below 0.00001 and 0.00001; ExAC 0.00001.
gnomAD v4.1: 8 of 1,613,730 alleles (0.0005%); highest among the groups gnomAD compares: Non-Finnish European, 0.00068%; no homozygotes.

Submissions (4):

Labcorp Genetics (formerly Invitae), Labcorp
Classification: Uncertain significance. Last evaluated: 2025-12-21. Review status: criteria provided, single submitter. Criteria: Invitae Variant Classification Sherloc (09022015). Collection method: clinical testing. Allele origin: germline.
Comment: This sequence change replaces alanine, which is neutral and non-polar, with threonine, which is neutral and polar, at codon 1946 of the POLE protein (p.Ala1946Thr). This variant is present in population databases (rs772611021, gnomAD 0.002%). This variant has not been reported in the literature in individuals affected with POLE-related conditions. ClinVar contains an entry for this variant (Variation ID: 473767). An algorithm developed to predict the effect of missense changes on protein structure and function outputs the following: PolyPhen-2: "Benign". The threonine amino acid residue is found in multiple mammalian species, which suggests that this missense change does not adversely affect protein function. In summary, the available evidence is currently insufficient to determine the role of this variant in disease. Therefore, it has been classified as a Variant of Uncertain Significance.

Ambry Genetics
Classification: Likely benign for Hereditary cancer-predisposing syndrome. Last evaluated: 2025-01-29. Review status: criteria provided, single submitter. Criteria: Ambry Variant Classification Scheme 2023. Collection method: clinical testing. Allele origin: germline.

Blueprint Genetics
Classification: Uncertain significance. Last evaluated: 2024-08-29. Review status: criteria provided, single submitter. Criteria: ACMG Guidelines, 2015. Collection method: clinical testing. Allele origin: germline.

Quest Diagnostics Nichols Institute San Juan Capistrano
Classification: Uncertain significance. Last evaluated: 2020-02-05. Review status: criteria provided, single submitter. Criteria: Quest Diagnostics criteria. Collection method: clinical testing. Allele origin: unknown.

NM_006231.4(POLE):c.5836G>A (p.Ala1946Thr)

Gene: POLE (DNA polymerase epsilon, catalytic subunit; minus strand). Cytogenetic location: 12q24.33.
Variant type: single nucleotide variant.
Coding change: c.5836G>A on transcript NM_006231.4 (MANE Select); coding-DNA position 5836, G replaced by A.
Protein change: p.Ala1946Thr; replaces alanine 1946 with threonine.
Molecular consequence: missense variant.
Genome position (GRCh38, 1-based): chr12:132,634,354, C>T on the plus strand (G>A on the coding strand, the complement: POLE is on the minus strand). VCF-style: chr12-132634354-C-T. GRCh37 (hg19) VCF-style: chr12-133210940-C-T.
Other names: short protein forms A1946T.
Identifiers: ClinVar variation 473767 (VCV000473767.15), dbSNP rs772611021, ClinGen allele CA6892359.